The following is an entry in ClinVar:

NM_207037.2(TCF12):c.1036-1G>T

Gene: TCF12 (transcription factor 12; plus strand). Cytogenetic location: 15q21.3.
Variant type: single nucleotide variant.
Coding change: c.1036-1G>T on transcript NM_207037.2 (MANE Select); the canonical splice acceptor site of the intron before coding-DNA position 1036, G replaced by T.
Molecular consequence: splice acceptor variant.
Genome position (GRCh38, 1-based): chr15:57,243,471, G>T. VCF-style: chr15-57243471-G-T. GRCh37 (hg19) VCF-style: chr15-57535669-G-T.
Other names: c.1036-1G>T (NM_001322151.2, NM_001322159.3, NM_001322157.3 and 7 more transcripts); c.862-1G>T (NM_001322156.2, NM_001322158.2); c.379-1G>T (NM_001322154.2); c.1072-1G>T (NM_001322164.2); c.526-1G>T (NM_001306219.3, NM_207040.2); c.328-1G>T (NM_001306220.3).
Identifiers: ClinVar variation 392481 (VCV000392481.3), dbSNP rs1057524509, ClinGen allele CA16606751.

ClinVar aggregate classification (germline): Likely pathogenic. Review status: criteria provided, multiple submitters, no conflicts (2 of 4 stars). 2 submissions from 2 submitters: Likely pathogenic (2). Last evaluated 2018-07-27.

Conditions:
TCF12-related disorder. Also called: TCF12-related condition.

Submissions (2):

Blueprint Genetics
Classification: Likely pathogenic for TCF12-related disorders. Last evaluated: 2018-07-27. Review status: criteria provided, single submitter. Criteria: ACMG Guidelines, 2015. Collection method: clinical testing. Allele origin: germline. Affected: yes. Observed: 1 variant allele.

GeneDx
Classification: Likely pathogenic. Last evaluated: 2017-01-17. Review status: criteria provided, single submitter. Criteria: GeneDx Variant Classification (06012015). Collection method: clinical testing. Allele origin: germline. Affected: yes.
Comment: The c.1036-1G>T variant in the TCF12 gene has not been reported previously as a pathogenicvariant nor as a benign variant, to our knowledge. This splice site variant destroys the canonical spliceacceptor site in intron 12. It is predicted to cause abnormal gene splicing, either leading to anabnormal message that is subject to nonsense-mediated mRNA decay, or to an abnormal proteinproduct if the message is used for protein translation. The c.1036-1G>T variant was not observed inapproximately 6500 individuals of European and African American ancestry in the NHLBI ExomeSequencing Project, indicating it is not a common benign variant in these populations. We interpretc.1036-1G>T as a likely pathogenic variant.